The following is an entry in ClinVar:

ClinVar aggregate classification (germline): Benign/Likely benign. Review status: criteria provided, multiple submitters, no conflicts (2 of 4 stars). 12 submissions from 12 submitters: Benign (8); Likely benign (1). 3 of the submissions do not count toward it. Last evaluated 2025-08-01.

Conditions:
Hereditary factor VIII deficiency disease (HEMA). Also called: HEMOPHILIA, CLASSIC; AUTOSOMAL HEMOPHILIA A; Hemophilia A; Hemophilia A, congenital; HEM A; Factor 8 deficiency, congenital. Identifiers: Orphanet 98878, MedGen C0019069, MONDO:0010602, OMIM 306700.

Allele frequency attached by ClinVar (database versions not stated): 1000 Genomes Project 30x 0.26785; TOPMed 0.31597; ESP Exome Variant Server 0.34653.
gnomAD v4.1: 227,551 of 1,207,733 alleles (19%); highest among the groups gnomAD compares: African/African-American, 65%; 20,423 homozygotes.

Submissions (12):

Labcorp Genetics (formerly Invitae), Labcorp
Classification: Benign. Last evaluated: 2025-08-01. Review status: criteria provided, single submitter. Criteria: Invitae Variant Classification Sherloc (09022015). Collection method: clinical testing. Allele origin: germline.

ARUP Laboratories, Molecular Genetics and Genomics, ARUP Laboratories
Classification: Benign. Last evaluated: 2025-07-30. Review status: criteria provided, single submitter. Criteria: ARUP Molecular Germline Variant Investigation Process 2024. Collection method: clinical testing. Allele origin: germline.

Mayo Clinic Laboratories, Mayo Clinic
Classification: Benign. Last evaluated: 2025-03-19. Review status: criteria provided, single submitter. Criteria: ACMG Guidelines, 2015. Collection method: clinical testing. Allele origin: germline. Observed: 156 variant alleles.
Comment: BA1, BS2, BP4

Blueprint Genetics
Classification: Likely benign. Last evaluated: 2024-11-28. Review status: criteria provided, single submitter. Criteria: ACMG Guidelines, 2015. Collection method: clinical testing. Allele origin: germline.

Genome-Nilou Lab
Classification: Benign for Hereditary factor VIII deficiency disease. Last evaluated: 2021-08-10. Review status: criteria provided, single submitter. Criteria: ACMG Guidelines, 2015. Collection method: clinical testing. Allele origin: germline. Affected: no.

GeneDx
Classification: Benign. Last evaluated: 2021-06-09. Review status: criteria provided, single submitter. Criteria: GeneDx Variant Classification Process June 2021. Collection method: clinical testing. Allele origin: germline. Affected: yes.
Comment: This variant is associated with the following publications: (PMID: 33245802, 30792900, 26105150, 15735794, 24108539, 24086941, 17209060, 20054547)

Illumina Laboratory Services, Illumina
Classification: Benign for Hereditary factor VIII deficiency disease. Last evaluated: 2017-04-27. Review status: criteria provided, single submitter. Criteria: ICSL Variant Classification Criteria 13 December 2019. Collection method: clinical testing. Allele origin: germline.
Comment: This variant was observed as part of a predisposition screen in an ostensibly healthy population. A literature search was performed for the gene, cDNA change, and amino acid change (where applicable). Publications were found based on this search. The evidence from the literature, in combination with allele frequency data from public databases where available, was sufficient to rule this variant out of causing disease. Therefore, this variant is classified as benign.

Breakthrough Genomics
Classification: Benign. Review status: criteria provided, single submitter. Criteria: ACMG Guidelines, 2015. Collection method: not provided. Allele origin: germline. Inheritance: X-linked inheritance. Affected: yes.

PreventionGenetics, part of Exact Sciences
Classification: Benign. Review status: criteria provided, single submitter. Criteria: ACMG Guidelines, 2015. Collection method: clinical testing. Allele origin: germline.

GeneReviews
No classification provided. Condition: Hereditary factor VIII deficiency disease. Review status: no classification provided. Collection method: literature only. Allele origin: unknown. Not counted in ClinVar's aggregate classification.

Genome Diagnostics Laboratory, University Medical Center Utrecht
Classification: Benign. Review status: no assertion criteria provided. Collection method: clinical testing. Allele origin: germline. Affected: yes. Study: VKGL Data-share Consensus. Not counted in ClinVar's aggregate classification.

Joint Genome Diagnostic Labs from Nijmegen and Maastricht, Radboudumc and MUMC+
Classification: Benign. Review status: no assertion criteria provided. Collection method: clinical testing. Allele origin: germline. Affected: yes. Study: VKGL Data-share Consensus. Not counted in ClinVar's aggregate classification.

Literature cited by the submitters: PubMed 32897612 (cited by Mayo Clinic Laboratories, Mayo Clinic); PubMed 15735794 (cited by Illumina Laboratory Services, Illumina); PubMed 17209060 (cited by Illumina Laboratory Services, Illumina and GeneReviews); PubMed 24086941 (cited by Illumina Laboratory Services, Illumina); PubMed 20301578 (cited by GeneReviews); NCBI Bookshelf NBK1404 (cited by GeneReviews).

NM_000132.4(F8):c.3780C>G (p.Asp1260Glu)

Gene: F8 (coagulation factor VIII; minus strand). Cytogenetic location: Xq28.
Variant type: single nucleotide variant.
Coding change: c.3780C>G on transcript NM_000132.4 (MANE Select); coding-DNA position 3780, C replaced by G.
Protein change: p.Asp1260Glu; replaces aspartic acid 1260 with glutamic acid.
Molecular consequence: missense variant.
Genome position (GRCh38, 1-based): chrX:154,930,010, G>C on the plus strand (C>G on the coding strand, the complement: F8 is on the minus strand). VCF-style: chrX-154930010-G-C. GRCh37 (hg19) VCF-style: chrX-154158285-G-C.
Other names: short protein forms D1260E.
Identifiers: ClinVar variation 40999 (VCV000040999.31), dbSNP rs1800291, ClinGen allele CA343865.